The following is an entry in ClinVar:

ClinVar aggregate classification (germline): Conflicting classifications of pathogenicity. Review status: criteria provided, conflicting classifications (1 of 4 stars). 4 submissions from 4 submitters: Likely pathogenic (2); Uncertain significance (2). Last evaluated 2023-12-01.

Conditions:
Bardet-Biedl syndrome 14 (BBS14). Identifiers: Orphanet 110, MedGen C2673874, MONDO:0014442, OMIM 615991.
Joubert syndrome 6 (JBTS6). Identifiers: Orphanet 475, MedGen C1853153, MONDO:0012539, OMIM 610688.
Meckel syndrome, type 3 (MKS3). Also called: MECKEL-GRUBER SYNDROME, TYPE 3. Identifiers: Orphanet 564, MedGen C1846357, MONDO:0011821, OMIM 607361.
RHYNS syndrome. Also called: RETINITIS PIGMENTOSA SYNDROME; RETINITIS PIGMENTOSA, HYPOPITUITARISM, NEPHRONOPHTHISIS, AND MILD SKELETAL DYSPLASIA. Identifiers: Orphanet 140976, MedGen C1865794, MONDO:0011202, OMIM 602152.
COACH syndrome 1. Identifiers: Orphanet 1454, MedGen C5435651, MONDO:0800103, OMIM 216360, MONDO:0008996.
Nephronophthisis 11 (NPHP11). Identifiers: Orphanet 84081, MedGen C3150796, MONDO:0013302, OMIM 613550.
Joubert syndrome. Also called: CEREBELLOPARENCHYMAL DISORDER IV; JOUBERT-BOLTSHAUSER SYNDROME; Familial aplasia of the vermis. Identifiers: Orphanet 475, MedGen C5979921, MONDO:0018772.
Meckel-Gruber syndrome. Also called: DYSENCEPHALIA SPLANCHNOCYSTICA; GRUBER SYNDROME; Dysencephalia splachnocystica. Identifiers: Orphanet 564, MedGen C0265215, MONDO:0018921.

Submissions (4):

Labcorp Genetics (formerly Invitae), Labcorp
Classification: Likely pathogenic for Joubert syndrome; Meckel-Gruber syndrome. Last evaluated: 2023-12-01. Review status: criteria provided, single submitter. Criteria: Invitae Variant Classification Sherloc (09022015). Collection method: clinical testing. Allele origin: germline.
Comment: This sequence change replaces arginine, which is basic and polar, with glycine, which is neutral and non-polar, at codon 792 of the TMEM67 protein (p.Arg792Gly). This variant is not present in population databases (gnomAD no frequency). This missense change has been observed in individual(s) with Joubert syndrome and related disorders and/or nephronophthisis (PMID: 21068128, 36617405). ClinVar contains an entry for this variant (Variation ID: 1325829). Advanced modeling of protein sequence and biophysical properties (such as structural, functional, and spatial information, amino acid conservation, physicochemical variation, residue mobility, and thermodynamic stability) performed at Invitae indicates that this missense variant is expected to disrupt TMEM67 protein function with a positive predictive value of 95%. In summary, the currently available evidence indicates that the variant is pathogenic, but additional data are needed to prove that conclusively. Therefore, this variant has been classified as Likely Pathogenic.

University of Iowa Renal Genetics Clinic, University of Iowa
Classification: Likely pathogenic for COACH syndrome 1. Last evaluated: 2022-04-12. Review status: criteria provided, single submitter. Criteria: ACMG Guidelines, 2015. Collection method: clinical testing. Allele origin: germline. Inheritance: Autosomal recessive inheritance. Affected: yes. Observed: 1 heterozygote.
Comment: This variant is predicted to result in a single amino acid substitution of Arg to Gly at codon 792 in exon 23 of the TMEM67 gene. This variant meets the following ACMG criteria: PM2, PM3, PP2, PP3.

Institute of Human Genetics, University of Leipzig Medical Center
Classification: Uncertain significance for Joubert syndrome 6. Last evaluated: 2021-11-10. Review status: criteria provided, single submitter. Criteria: ACMG Guidelines, 2015. Collection method: clinical testing. Allele origin: unknown. Affected: yes.
Comment: _x000D_ Criteria applied: PM3, PM2_SUP, PP3

Fulgent Genetics
Classification: Uncertain significance for COACH syndrome 1; RHYNS syndrome; Meckel syndrome, type 3; Joubert syndrome 6; Nephronophthisis 11; Bardet-Biedl syndrome 14. Last evaluated: 2021-09-22. Review status: criteria provided, single submitter. Criteria: ACMG Guidelines, 2015. Collection method: clinical testing. Allele origin: unknown.

Literature cited by the submitters: PubMed 21068128 (cited by Labcorp Genetics (formerly Invitae), Labcorp); PubMed 36617405 (cited by Labcorp Genetics (formerly Invitae), Labcorp and University of Iowa Renal Genetics Clinic, University of Iowa).

NM_153704.6(TMEM67):c.2374A>G (p.Arg792Gly)

Gene: TMEM67 (transmembrane protein 67; plus strand). Cytogenetic location: 8q22.1.
Variant type: single nucleotide variant.
Coding change: c.2374A>G on transcript NM_153704.6 (MANE Select); coding-DNA position 2374, A replaced by G.
Protein change: p.Arg792Gly; replaces arginine 792 with glycine.
Molecular consequence: missense variant. On other transcripts: non-coding transcript variant (1).
Genome position (GRCh38, 1-based): chr8:93,804,813, A>G. VCF-style: chr8-93804813-A-G. GRCh37 (hg19) VCF-style: chr8-94817041-A-G.
Other names: c.2131A>G, p.Arg711Gly (NM_001142301.1); short protein forms R711G, R792G.
Identifiers: ClinVar variation 1325829 (VCV001325829.8), dbSNP rs1815059174, ClinGen allele CA371698151.